The following is an entry in ClinVar:

ClinVar aggregate classification (germline): Uncertain significance (1 of 4 stars; one submission).

Conditions:
Hepatic veno-occlusive disease-immunodeficiency syndrome. Also called: Hepatic Veno-Occlusive Disease with Immunodeficiency. Identifiers: Orphanet 79124, MedGen C1856128, MONDO:0009338, OMIM 235550. Disease mechanism: loss of function.

Allele frequency attached by ClinVar (database versions not stated): gnomAD exomes 0.00003 and 0.00005; TOPMed 0.00003; ExAC 0.00008.
gnomAD v4.1: 16 of 1,614,096 alleles (0.00099%); highest among the groups gnomAD compares: Admixed American, 0.025%; no homozygotes.

Submission:

Labcorp Genetics (formerly Invitae), Labcorp
Classification: Uncertain significance for Hepatic veno-occlusive disease-immunodeficiency syndrome. Last evaluated: 2023-10-13. Review status: criteria provided, single submitter. Criteria: Invitae Variant Classification Sherloc (09022015). Collection method: clinical testing. Allele origin: germline.
Comment: This sequence change replaces lysine, which is basic and polar, with methionine, which is neutral and non-polar, at codon 29 of the SP110 protein (p.Lys29Met). This variant is present in population databases (rs756746930, gnomAD 0.03%). This variant has not been reported in the literature in individuals affected with SP110-related conditions. ClinVar contains an entry for this variant (Variation ID: 577020). An algorithm developed to predict the effect of missense changes on protein structure and function (PolyPhen-2) suggests that this variant is likely to be disruptive. In summary, the available evidence is currently insufficient to determine the role of this variant in disease. Therefore, it has been classified as a Variant of Uncertain Significance.

NM_080424.4(SP110):c.86A>T (p.Lys29Met)

Genes: SP110 (SP110 nuclear body protein; minus strand), SP140 (SP140 nuclear body protein; plus strand). Cytogenetic location: 2q37.1.
Variant type: single nucleotide variant.
Coding change: c.86A>T on transcript NM_080424.4 (MANE Select); coding-DNA position 86, A replaced by T.
Protein change: p.Lys29Met; replaces lysine 29 with methionine.
Molecular consequence: missense variant.
Genome position (GRCh38, 1-based): chr2:230,216,842, T>A on the plus strand (A>T on the coding strand, the complement: SP110 is on the minus strand). VCF-style: chr2-230216842-T-A. GRCh37 (hg19) VCF-style: chr2-231081557-T-A.
Other names: c.104A>T, p.Lys35Met (NM_001185015.2, NM_001378442.1, NM_001378444.1 and 2 more transcripts); c.86A>T, p.Lys29Met (NM_001378443.1, NM_001378447.1, NM_004509.5 and 1 more transcripts); short protein forms K29M, K35M.
Identifiers: ClinVar variation 577020 (VCV000577020.8), dbSNP rs756746930, ClinGen allele CA2154915.
Genomic context (GRCh38, chr2:230,216,842, plus strand): 5'-ATGTACATTCTCTTAGTGATGATGGAGTTGTCTAGGAGGCCTTCAAAGAAGGGAAATGGC[T>A]TGTGTATGGCATAGGCGATCCCCAGCTTCTGGTGCATGAAGTGCTGAAAAAGAGCCTCTT-3'
Protein context (NP_536349.3, residues 19-39): QKLGIAYAIH[Lys29Met]PFPFFEGLLD